The following is an entry in ClinVar:

NM_001129.5(AEBP1):c.1271C>T (p.Thr424Ile)

Gene: AEBP1 (AE binding protein 1; plus strand). Cytogenetic location: 7p13.
Variant type: single nucleotide variant.
Coding change: c.1271C>T on transcript NM_001129.5 (MANE Select); coding-DNA position 1271, C replaced by T.
Protein change: p.Thr424Ile; replaces threonine 424 with isoleucine.
Molecular consequence: missense variant.
Genome position (GRCh38, 1-based): chr7:44,110,217, C>T. VCF-style: chr7-44110217-C-T. GRCh37 (hg19) VCF-style: chr7-44149816-C-T.
Other names: p.Thr424Ile; short protein forms T424I.
Identifiers: ClinVar variation 1406010 (VCV001406010.5), dbSNP rs750910635, ClinGen allele CA4237840.

ClinVar aggregate classification (germline): Uncertain significance. Review status: criteria provided, multiple submitters, no conflicts (2 of 4 stars). 2 submissions from 2 submitters: Uncertain significance (2). Last evaluated 2025-09-11.

Allele frequency attached by ClinVar (database versions not stated): gnomAD 0.00001; ExAC 0.00002; TOPMed below 0.00001; gnomAD exomes 0.00001.
gnomAD v4.1: 9 of 1,613,570 alleles (0.00056%); highest among the groups gnomAD compares: Admixed American, 0.005%; 1 homozygote.

Submissions (2):

Mayo Clinic Laboratories, Mayo Clinic
Classification: Uncertain significance. Last evaluated: 2025-09-11. Review status: criteria provided, single submitter. Criteria: ACMG Guidelines, 2015. Collection method: clinical testing. Allele origin: germline. Observed: 1 variant allele.
Comment: PM2_supporting

Labcorp Genetics (formerly Invitae), Labcorp
Classification: Uncertain significance. Last evaluated: 2021-12-29. Review status: criteria provided, single submitter. Criteria: Invitae Variant Classification Sherloc (09022015). Collection method: clinical testing. Allele origin: germline.
Comment: This sequence change replaces threonine, which is neutral and polar, with isoleucine, which is neutral and non-polar, at codon 424 of the AEBP1 protein (p.Thr424Ile). In summary, the available evidence is currently insufficient to determine the role of this variant in disease. Therefore, it has been classified as a Variant of Uncertain Significance. Algorithms developed to predict the effect of missense changes on protein structure and function are either unavailable or do not agree on the potential impact of this missense change (SIFT: "Deleterious"; PolyPhen-2: "Benign"; Align-GVGD: "Class C0"). This variant has not been reported in the literature in individuals affected with AEBP1-related conditions. This variant is present in population databases (rs750910635, gnomAD no frequency).